The following is an entry in ClinVar:

ClinVar aggregate classification (germline): Conflicting classifications of pathogenicity. Review status: criteria provided, conflicting classifications (1 of 4 stars). 2 submissions from 2 submitters: Uncertain significance (1); Likely benign (1). Last evaluated 2025-05-01.

Conditions:
EPILEPSY, CHILDHOOD ABSENCE, SUSCEPTIBILITY TO, 2 (ECA2). Identifiers: Orphanet 64280, MedGen C1843244, OMIM 607681.
Febrile seizures, familial, 8 (FEB8). Also called: CONVULSIONS, FAMILIAL FEBRILE, 8. Identifiers: Orphanet 36387, MedGen C1969810, MONDO:0011891, OMIM 607681.

Allele frequency attached by ClinVar (database versions not stated): gnomAD exomes below 0.00001.
gnomAD v4.1: 1 of 1,596,122 alleles (0.000063%); highest among the groups gnomAD compares: Admixed American, 0.0017%; no homozygotes.

Submissions (2):

CeGaT Center for Human Genetics Tuebingen
Classification: Likely benign. Last evaluated: 2025-05-01. Review status: criteria provided, single submitter. Criteria: CeGaT Center For Human Genetics Tuebingen Variant Classification Criteria Version 2. Collection method: clinical testing. Allele origin: germline. Affected: yes. Observed: 1 variant allele.
Comment: GABRG2: BP4, BP7

Labcorp Genetics (formerly Invitae), Labcorp
Classification: Uncertain significance for Febrile seizures, familial, 8; EPILEPSY, CHILDHOOD ABSENCE, SUSCEPTIBILITY TO, 2. Last evaluated: 2024-04-29. Review status: criteria provided, single submitter. Criteria: Invitae Variant Classification Sherloc (09022015). Collection method: clinical testing. Allele origin: germline.
Comment: This sequence change affects codon 183 of the GABRG2 mRNA. It is a 'silent' change, meaning that it does not change the encoded amino acid sequence of the GABRG2 protein. It affects a nucleotide within the consensus splice site. This variant is not present in population databases (gnomAD no frequency). This variant has not been reported in the literature in individuals affected with GABRG2-related conditions. ClinVar contains an entry for this variant (Variation ID: 1022515). Algorithms developed to predict the effect of sequence changes on RNA splicing suggest that this variant is not likely to affect RNA splicing. In summary, the available evidence is currently insufficient to determine the role of this variant in disease. Therefore, it has been classified as a Variant of Uncertain Significance.

NM_198904.4(GABRG2):c.549G>A (p.Arg183=)

Gene: GABRG2 (gamma-aminobutyric acid type A receptor subunit gamma2; plus strand). Cytogenetic location: 5q34.
Variant type: single nucleotide variant.
Coding change: c.549G>A on transcript NM_198904.4 (MANE Select); coding-DNA position 549, G replaced by A.
Protein change: p.Arg183=; no amino-acid change (arginine 183 retained).
Molecular consequence: synonymous variant.
Genome position (GRCh38, 1-based): chr5:162,101,235, G>A. VCF-style: chr5-162101235-G-A. GRCh37 (hg19) VCF-style: chr5-161528241-G-A.
Other names: c.549G>A, p.Arg183= (NM_000816.3, NM_001375340.1, NM_001375341.1 and 4 more transcripts); c.540G>A, p.Arg180= (NM_001375339.1); c.483G>A, p.Arg161= (NM_001375345.1, NM_001375346.1); c.462G>A, p.Arg154= (NM_001375347.1); c.129G>A, p.Arg43= (NM_001375348.1, NM_001375350.1); c.264G>A, p.Arg88= (NM_001375349.1).
Identifiers: ClinVar variation 1022515 (VCV001022515.19), dbSNP rs1761390378, ClinGen allele CA447609698.
Genomic context (GRCh38, chr5:162,101,235, plus strand): 5'-AAATTTACAATTTAAAATTATGTCTAAAATCCATCTTATGTTTAATATCTTTCTACTTAG[G>A]TTGACAATTGATGCTGAGTGCCAATTACAATTGCACAACTTTCCAATGGATGAACACTCC-3'
Protein context (NP_944494.1, residues 173-193): WNDGRVLYTL[Arg183=]LTIDAECQLQ